The following is an entry in ClinVar:

NM_006767.4(LZTR1):c.2411C>G (p.Ser804Cys)

Gene: LZTR1 (leucine zipper like post translational regulator 1; plus strand). Cytogenetic location: 22q11.21.
Variant type: single nucleotide variant.
Coding change: c.2411C>G on transcript NM_006767.4 (MANE Select); coding-DNA position 2411, C replaced by G.
Protein change: p.Ser804Cys; replaces serine 804 with cysteine.
Molecular consequence: missense variant.
Genome position (GRCh38, 1-based): chr22:20,997,236, C>G. VCF-style: chr22-20997236-C-G. GRCh37 (hg19) VCF-style: chr22-21351525-C-G.
Other names: short protein forms S804C.
Identifiers: ClinVar variation 1790896 (VCV001790896.3), dbSNP rs1189580871, ClinGen allele CA410781468.

ClinVar aggregate classification (germline): Uncertain significance (1 of 4 stars; one submission).

Conditions:
Hereditary cancer-predisposing syndrome. Also called: Hereditary Cancer Syndrome; Hereditary neoplastic syndrome; Tumor predisposition; Neoplastic Syndromes, Hereditary. Identifiers: Orphanet 140162, MedGen C0027672, MeSH D009386, MONDO:0015356.
Cardiovascular phenotype. Identifiers: MedGen CN230736.

Submission:

Ambry Genetics
Classification: Uncertain significance for Cardiovascular phenotype; Hereditary cancer-predisposing syndrome. Last evaluated: 2025-09-05. Review status: criteria provided, single submitter. Criteria: Ambry Variant Classification Scheme 2023. Collection method: clinical testing. Allele origin: germline.
Comment: The p.S804C variant (also known as c.2411C>G), located in coding exon 21 of the LZTR1 gene, results from a C to G substitution at nucleotide position 2411. The serine at codon 804 is replaced by cysteine, an amino acid with dissimilar properties. This amino acid position is highly conserved in available vertebrate species. In addition, the in silico prediction for this alteration is inconclusive. Based on the available evidence, the clinical significance of this variant remains unclear.